The following is an entry in ClinVar:

NM_017986.4(SLC52A1):c.587del (p.Phe196fs)

Gene: SLC52A1 (solute carrier family 52 member 1; minus strand). Cytogenetic location: 17p13.2.
Variant type: Deletion.
Coding change: c.587del on transcript NM_017986.4 (MANE Select); coding-DNA position 587, one base deleted (T; older notation c.587delT).
Protein change: p.Phe196fs; shifts the reading frame from phenylalanine 196.
Molecular consequence: frameshift variant.
Genome position (GRCh38, 1-based): chr17:5,033,902, A deleted on the plus strand (T on the coding strand, the reverse complement: SLC52A1 is on the minus strand); the first of 2 consecutive A bases (chr17:5,033,902-5,033,903); deleting either gives the same sequence. VCF-style (leftmost placement, unchanged base first): chr17-5033901-GA-G. GRCh37 (hg19) VCF-style: chr17-4937196-GA-G.
Other names: c.587del, p.Phe196fs (NM_001104577.2); short protein forms F196fs.
Identifiers: ClinVar variation 2731763 (VCV002731763.3), dbSNP rs750678566, ClinGen allele CA8319754.
Genomic context (GRCh38, chr17:5,033,901, plus strand): 5'-CAACAGGAGACCCCGGAAGGCGGCAGCTGAAGTGACCAGAAGGGCAGTCAGTGCCCAGAA[GA>G]AGGTGCTGGCAGGAAAACGCTCAGGGAAGTCGAGGGGAGGCCCAGAGGTGCCATTGGTGG-3'

ClinVar aggregate classification (germline): Uncertain significance (1 of 4 stars; one submission).

Conditions:
Vitamin B2 deficiency. Identifiers: MedGen C0035528.

Submission:

Labcorp Genetics (formerly Invitae), Labcorp
Classification: Uncertain significance for Vitamin B2 deficiency. Last evaluated: 2025-10-21. Review status: criteria provided, single submitter. Criteria: Invitae Variant Classification Sherloc (09022015). Collection method: clinical testing. Allele origin: germline.
Comment: This sequence change creates a premature translational stop signal (p.Phe196Serfs*5) in the SLC52A1 gene. It is expected to result in an absent or disrupted protein product. However, the current clinical and genetic evidence is not sufficient to establish whether loss-of-function variants in SLC52A1 cause disease. This variant is present in population databases (rs750678566, gnomAD 0.009%). This variant has not been reported in the literature in individuals affected with SLC52A1-related conditions. ClinVar contains an entry for this variant (Variation ID: 2731763). In summary, the available evidence is currently insufficient to determine the role of this variant in disease. Therefore, it has been classified as a Variant of Uncertain Significance.